The following is an entry in ClinVar:

NM_014362.4(HIBCH):c.835G>T (p.Glu279Ter)

Gene: HIBCH (3-hydroxyisobutyryl-CoA hydrolase; minus strand). Cytogenetic location: 2q32.2.
Variant type: single nucleotide variant.
Coding change: c.835G>T on transcript NM_014362.4 (MANE Select); coding-DNA position 835, G replaced by T.
Protein change: p.Glu279Ter; replaces glutamic acid 279 with a stop codon.
Molecular consequence: nonsense.
Genome position (GRCh38, 1-based): chr2:190,244,943, C>A on the plus strand (G>T on the coding strand, the complement: HIBCH is on the minus strand). VCF-style: chr2-190244943-C-A. GRCh37 (hg19) VCF-style: chr2-191109669-C-A.
Other names: c.835G>T, p.Glu279Ter (NM_198047.3); short protein forms E279*.
Identifiers: ClinVar variation 972925 (VCV000972925.3), dbSNP rs1686562488, ClinGen allele CA349886820.
Genomic context (GRCh38, chr2:190,244,943, plus strand): 5'-TTACCTTCAATTGCTCTAGGGCAAAAGATGAACCATCTTGCTGTAAGTTTTCAATAATTT[C>A]TTCCACAGTATTGGCTGAAAAACAACTATAAAAAAAGGAAATGTGATTTCACCAATGTGT-3'

ClinVar aggregate classification (germline): Pathogenic/Likely pathogenic. Review status: criteria provided, multiple submitters, no conflicts (2 of 4 stars). 2 submissions from 2 submitters: Pathogenic (1); Likely pathogenic (1). Last evaluated 2019-12-01.

Conditions:
3-hydroxyisobutyryl-CoA hydrolase deficiency. Also called: VALINE METABOLIC DEFECT; HIBCH DEFICIENCY; METHACRYLIC ACID TOXICITY; METHACRYLIC ACIDURIA; Reduced circulating 3-hydroxyisobutyryl-CoA hydrolase activity; Deficiency of 3-hydroxyisobutyryl CoA hydrolase. Identifiers: Orphanet 88639, MedGen C0342738, MONDO:0009603, OMIM 250620, HP:6000215.

gnomAD v4.1: 1 of 1,609,496 alleles (0.000062%); highest among the groups gnomAD compares: Non-Finnish European, 0.000085%; no homozygotes.

Submissions (2):

The Molecular Genetic and Pathologic Diagnosis Center of Neuromuscular Disorder, Children's Hospital of Fudan University
Classification: Pathogenic for Beta-hydroxyisobutyryl-CoA deacylase deficiency. Last evaluated: 2019-12-01. Review status: criteria provided, single submitter. Criteria: ACMG Guidelines, 2015. Collection method: clinical testing. Allele origin: germline. Affected: yes.

Juno Genomics, Hangzhou Juno Genomics, Inc
Classification: Likely pathogenic for 3-hydroxyisobutyryl-CoA hydrolase deficiency. Review status: criteria provided, single submitter. Criteria: ACMG Guidelines, 2015. Collection method: clinical testing. Allele origin: germline.
Comment: Null variant in a gene where loss of function (LOF) is a known mechanism of disease.;Absent from controls (or at extremely low frequency if recessive) in Genome Aggregation Database.